The following is an entry in ClinVar:

ClinVar aggregate classification (germline): Conflicting classifications of pathogenicity. Review status: criteria provided, conflicting classifications (1 of 4 stars). 11 submissions from 10 submitters: Uncertain significance (9); Likely benign (1). 1 of the submissions does not count toward it. Last evaluated 2025-12-17.

Conditions:
RAD51D-related disorder. Also called: RAD51D-related condition.
Hereditary cancer-predisposing syndrome. Also called: Tumor predisposition; Hereditary Cancer Syndrome; Hereditary neoplastic syndrome; Neoplastic Syndromes, Hereditary. Identifiers: Orphanet 140162, MedGen C0027672, MeSH D009386, MONDO:0015356.
Breast-ovarian cancer, familial, susceptibility to, 4. Identifiers: Orphanet 145, MedGen C3280345, MONDO:0013669, OMIM 614291.
Hereditary breast ovarian cancer syndrome. Also called: Breast and ovarian cancer; Hereditary breast and ovarian cancer; Hereditary breast and/or ovarian cancer syndrome; BRCA1- and BRCA2-Associated Hereditary Breast and Ovarian Cancer; Hereditary breast and ovarian cancer syndrome (HBOC); Hereditary breast and ovarian cancer syndrome. Identifiers: Orphanet 145, MedGen C0677776, MeSH D061325, MONDO:0003582. Disease mechanism: loss of function.

Allele frequency attached by ClinVar (database versions not stated): TOPMed below 0.00001; ExAC 0.00001; gnomAD exomes 0.00001.

Submissions (11):

Labcorp Genetics (formerly Invitae), Labcorp
Classification: Uncertain significance for Breast-ovarian cancer, familial, susceptibility to, 4. Last evaluated: 2025-12-17. Review status: criteria provided, single submitter. Criteria: Invitae Variant Classification Sherloc (09022015). Collection method: clinical testing. Allele origin: germline.
Comment: This sequence change replaces valine, which is neutral and non-polar, with methionine, which is neutral and non-polar, at codon 203 of the RAD51D protein (p.Val203Met). This variant is present in population databases (rs730881947, gnomAD 0.007%). This missense change has been observed in individual(s) with hereditary cancer (PMID: 27720647). ClinVar contains an entry for this variant (Variation ID: 182860). Invitae Evidence Modeling of protein sequence and biophysical properties (such as structural, functional, and spatial information, amino acid conservation, physicochemical variation, residue mobility, and thermodynamic stability) indicates that this missense variant is not expected to disrupt RAD51D protein function with a negative predictive value of 80%. In summary, the available evidence is currently insufficient to determine the role of this variant in disease. Therefore, it has been classified as a Variant of Uncertain Significance.

GeneDx
Classification: Uncertain significance. Last evaluated: 2025-04-01. Review status: criteria provided, single submitter. Criteria: GeneDx Variant Classification Process June 2021. Collection method: clinical testing. Allele origin: germline. Affected: yes.
Comment: Not observed at significant frequency in large population cohorts (gnomAD); In silico analysis indicates that this missense variant does not alter protein structure/function; Observed in individuals undergoing multigene hereditary cancer panel testing (PMID: 27720647); This variant is associated with the following publications: (PMID: 27720647, 14704354, 16717288, 21111057)

Color Diagnostics, LLC DBA Color Health
Classification: Uncertain significance for Hereditary cancer-predisposing syndrome. Last evaluated: 2025-02-25. Review status: criteria provided, single submitter. Criteria: ACMG Guidelines, 2015. Collection method: clinical testing. Allele origin: germline.
Comment: This missense variant replaces valine with methionine at codon 203 of the RAD51D protein, near the Walker B motif in the ATPase domain (PMID: 14704354). Computational prediction is inconclusive regarding the impact of this variant on protein structure and function. To our knowledge, functional studies have not been reported for this variant. A functional study has reported that a different missense variant at this codon, p.Val203Asp, failed to complement MMC sensitivity of rad51d knockout hamster CHO cells and disrupted XRCC2 interaction in a yeast assay (PMID: 16717288). This variant has not been reported in individuals affected with hereditary cancer in the literature. This variant has been identified in 3/251406 chromosomes in the general population by the Genome Aggregation Database (gnomAD). The available evidence is insufficient to determine the role of this variant in disease conclusively. Therefore, this variant is classified as a Variant of Uncertain Significance.

Ambry Genetics
Classification: Uncertain significance for Hereditary cancer-predisposing syndrome. Last evaluated: 2025-01-15. Review status: criteria provided, single submitter. Criteria: Ambry Variant Classification Scheme 2023. Collection method: clinical testing. Allele origin: germline.
Comment: The p.V203M variant (also known as c.607G>A), located in coding exon 7 of the RAD51D gene, results from a G to A substitution at nucleotide position 607. The valine at codon 203 is replaced by methionine, an amino acid with highly similar properties. This amino acid position is highly conserved in available vertebrate species. In addition, the in silico prediction for this alteration is inconclusive. Based on the available evidence, the clinical significance of this variant remains unclear.

Myriad Genetics, Inc.
Classification: Likely benign for Breast-ovarian cancer, familial, susceptibility to, 4. Last evaluated: 2024-12-13. Review status: criteria provided, single submitter. Criteria: Myriad Autosomal Dominant, Autosomal Recessive and X-Linked Classification Criteria (2023). Collection method: clinical testing. Allele origin: unknown.
Comment: This variant is considered likely benign. This variant is strongly associated with less severe personal and family histories of cancer, typical for individuals without pathogenic variants in this gene [PMID: 25085752].

Institute for Biomarker Research, Medical Diagnostic Laboratories, L.L.C.
Classification: Uncertain significance for Hereditary cancer-predisposing syndrome. Last evaluated: 2024-10-22. Review status: criteria provided, single submitter. Criteria: ACMG Guidelines, 2015. Collection method: clinical testing. Allele origin: germline.
Comment: The missense variant NM_002878.4(RAD51D):c.607G>A (p.Val203Met) has not been reported previously as a pathogenic variant nor as a benign variant, to our knowledge. The p.Val203Met variant is observed in 1/16,252 (0.0062%) alleles from individuals of gnomAD African background in gnomAD. The p.Val203Met variant is novel (not in any individuals) in 1kG. There is a small physicochemical difference between valine and methionine, which is not likely to impact secondary protein structure as these residues share similar properties. 3 variants within 6 amino acid positions of the variant p.Val203Met have been shown to be pathogenic, while none have been shown to be benign. For these reasons, this variant has been classified as Uncertain Significance

Fulgent Genetics
Classification: Uncertain significance for Breast-ovarian cancer, familial, susceptibility to, 4. Last evaluated: 2024-05-08. Review status: criteria provided, single submitter. Criteria: ACMG Guidelines, 2015. Collection method: clinical testing. Allele origin: germline.

Baylor Genetics
Classification: Uncertain significance for Breast-ovarian cancer, familial, susceptibility to, 4. Last evaluated: 2024-01-23. Review status: criteria provided, single submitter. Criteria: ACMG Guidelines, 2015. Collection method: clinical testing. Allele origin: unknown.

Institute for Biomarker Research, Medical Diagnostic Laboratories, L.L.C.
Classification: Uncertain significance for Hereditary breast ovarian cancer syndrome. Last evaluated: 2023-09-05. Review status: criteria provided, single submitter. Criteria: ACMG Guidelines, 2015. Collection method: clinical testing. Allele origin: germline.

Quest Diagnostics Nichols Institute San Juan Capistrano
Classification: Uncertain significance. Last evaluated: 2023-04-26. Review status: criteria provided, single submitter. Criteria: Quest Diagnostics criteria. Collection method: clinical testing. Allele origin: unknown.
Comment: The frequency of this variant in the general population, 0.000012 (3/251406 chromosomes), is uninformative in assessment of its pathogenicity. In the published literature, the variant has been reported in individuals who were part of a multigene hereditary cancel panel testing (PMID:27720647 (2016)). Analysis of this variant using bioinformatics tools for the prediction of the effect of amino acid changes on protein structure and function yielded conflicting predictions that this variant is benign or damaging. Based on the available information, we are unable to determine the clinical significance of this variant.

PreventionGenetics, part of Exact Sciences
Classification: Uncertain significance for RAD51D-related condition. Last evaluated: 2023-11-09. Review status: no assertion criteria provided. Collection method: clinical testing. Allele origin: germline. Not counted in ClinVar's aggregate classification.
Comment: The RAD51D c.607G>A variant is predicted to result in the amino acid substitution p.Val203Met. This variant was documented in at least one individual undergoing hereditary cancer testing; however, clinical or functional information was not provided (Table S3, Mu et al. 2016. PubMed ID: 27720647). This variant is reported in 0.0062% of alleles in individuals of African descent in gnomAD and has been documented in ClinVar as uncertain. At this time, the clinical significance of this variant is uncertain due to the absence of conclusive functional and genetic evidence.

Literature cited by the submitters: PubMed 27720647 (cited by Labcorp Genetics (formerly Invitae), Labcorp and Quest Diagnostics Nichols Institute San Juan Capistrano); PubMed 14704354 (cited by Color Diagnostics, LLC DBA Color Health); PubMed 16717288 (cited by Color Diagnostics, LLC DBA Color Health); PubMed 25085752 (cited by Myriad Genetics, Inc.).

NM_002878.4(RAD51D):c.607G>A (p.Val203Met)

Genes: RAD51D (RAD51 paralog D; minus strand), RAD51L3-RFFL (RAD51L3-RFFL readthrough; minus strand). Cytogenetic location: 17q12.
Variant type: single nucleotide variant.
Coding change: c.607G>A on transcript NM_002878.4 (MANE Select); coding-DNA position 607, G replaced by A.
Protein change: p.Val203Met; replaces valine 203 with methionine.
Molecular consequence: missense variant. On other transcripts: non-coding transcript variant (3).
Genome position (GRCh38, 1-based): chr17:35,103,514, C>T on the plus strand (G>A on the coding strand, the complement: RAD51D is on the minus strand). VCF-style: chr17-35103514-C-T. GRCh37 (hg19) VCF-style: chr17-33430533-C-T.
Other names: p.V203M:GTG>ATG; c.667G>A, p.Val223Met (NM_001142571.2); c.271G>A, p.Val91Met (NM_133629.3); short protein forms V203M, V223M, V91M.
Identifiers: ClinVar variation 182860 (VCV000182860.38), dbSNP rs730881947, ClinGen allele CA299936.
Genomic context (GRCh38, chr17:35,103,514, plus strand): 5'-CTTCCCTCTGCTGACCTCCCAGAAGTGGGGAAACCACCGCAGTGACCGAGTCCACAACCA[C>T]CACCTTCACAGTTCCTGAAGAACCAGTCACCTGAAGGAATGTGGGGGAAGCACTCATGAA-3'
Protein context (NP_002869.3, residues 193-213): VTGSSGTVKV[Val203Met]VVDSVTAVVS